The following is an entry in ClinVar:

NM_001267550.2(TTN):c.77853del (p.Lys25951_Val25952insTer)

Genes: TTN (titin; minus strand), TTN-AS1 (TTN antisense RNA 1; plus strand). Cytogenetic location: 2q31.2.
Variant type: Deletion.
Coding change: c.77853del on transcript NM_001267550.2 (MANE Select); coding-DNA position 77853, one base deleted (A; older notation c.77853delA).
Protein change: p.Lys25951_Val25952insTer.
Molecular consequence: frameshift variant.
Genome position (GRCh38, 1-based): chr2:178,568,279, T deleted on the plus strand (A on the coding strand, the reverse complement: TTN is on the minus strand); the first of 3 consecutive T bases (chr2:178,568,279-178,568,281); deleting any one gives the same sequence. VCF-style (leftmost placement, unchanged base first): chr2-178568278-CT-C. GRCh37 (hg19) VCF-style: chr2-179433005-CT-C.
Other names: c.72930del, p.Lys24310_Val24311insTer (NM_001256850.1); c.50658del, p.Lys16886_Val16887insTer (NM_003319.4); c.70149del, p.Lys23383_Val23384insTer (NM_133378.4); c.51033del, p.Lys17011_Val17012insTer (NM_133432.3); c.51234del, p.Lys17078_Val17079insTer (NM_133437.4).
Identifiers: ClinVar variation 2950962 (VCV002950962.3), dbSNP rs1706720091, ClinGen allele CA2740096337.

ClinVar aggregate classification (germline): Likely pathogenic (1 of 4 stars; one submission).

Conditions:
Dilated cardiomyopathy 1G (CMD1G). Identifiers: Orphanet 154, MedGen C1858763, MONDO:0011400, OMIM 604145.
Autosomal recessive limb-girdle muscular dystrophy type 2J (LGMDR10). Also called: Limb-girdle muscular dystrophy, type 2J; MUSCULAR DYSTROPHY, LIMB-GIRDLE, AUTOSOMAL RECESSIVE 10. Identifiers: Orphanet 140922, MedGen C1837342, MONDO:0012127, OMIM 608807.

Submission:

Labcorp Genetics (formerly Invitae), Labcorp
Classification: Likely pathogenic for Dilated cardiomyopathy 1G; Autosomal recessive limb-girdle muscular dystrophy type 2J. Last evaluated: 2025-02-12. Review status: criteria provided, single submitter. Criteria: Invitae Variant Classification Sherloc (09022015). Collection method: clinical testing. Allele origin: germline.
Comment: This sequence change creates a premature translational stop signal (p.Val25952*) in the TTN gene. While this is not anticipated to result in nonsense mediated decay, it is expected to create a truncated TTN protein. This variant is not present in population databases (gnomAD no frequency). This variant has not been reported in the literature in individuals affected with TTN-related conditions. ClinVar contains an entry for this variant (Variation ID: 2950962). This variant is located in the A band of TTN (PMID: 25589632). Truncating variants in this region are significantly overrepresented in patients affected with dilated cardiomyopathy (PMID: 25589632). Truncating variants in this region have also been reported in individuals affected with autosomal recessive centronuclear myopathy (PMID: 23975875). In summary, the currently available evidence indicates that the variant is pathogenic, but additional data are needed to prove that conclusively. Therefore, this variant has been classified as Likely Pathogenic.

Literature cited by the submitters: PubMed 25589632; PubMed 23975875.